The following is an entry in ClinVar:

ClinVar aggregate classification (germline): Pathogenic. Review status: criteria provided, multiple submitters, no conflicts (2 of 4 stars). 3 submissions from 3 submitters: Pathogenic (3). Last evaluated 2024-03-21.

Conditions:
Familial cancer of breast. Also called: hereditary breast carcinoma; BREAST CANCER, FAMILIAL; Hereditary breast cancer. Identifiers: Orphanet 227535, MedGen C0346153, MONDO:0016419, OMIM 114480. Disease mechanism: loss of function.
Hereditary cancer-predisposing syndrome. Also called: Neoplastic Syndromes, Hereditary; Hereditary Cancer Syndrome; Tumor predisposition; Hereditary neoplastic syndrome. Identifiers: Orphanet 140162, MedGen C0027672, MeSH D009386, MONDO:0015356.

Submissions (3):

Ambry Genetics
Classification: Pathogenic for Hereditary cancer-predisposing syndrome. Last evaluated: 2024-03-21. Review status: criteria provided, single submitter. Criteria: Ambry Variant Classification Scheme 2023. Collection method: clinical testing. Allele origin: germline.
Comment: The p.L1142* pathogenic mutation (also known as c.3425T>G), located in coding exon 13 of the PALB2 gene, results from a T to G substitution at nucleotide position 3425. This changes the amino acid from a leucine to a stop codon within coding exon 13. This alteration is expected to result in loss of function by premature protein truncation. As such, this alteration is interpreted as a disease-causing mutation.

Labcorp Genetics (formerly Invitae), Labcorp
Classification: Pathogenic for Familial cancer of breast. Last evaluated: 2024-02-22. Review status: criteria provided, single submitter. Criteria: Invitae Variant Classification Sherloc (09022015). Collection method: clinical testing. Allele origin: germline.
Comment: This sequence change creates a premature translational stop signal (p.Leu1142*) in the PALB2 gene. While this is not anticipated to result in nonsense mediated decay, it is expected to disrupt the last 45 amino acid(s) of the PALB2 protein. This variant is not present in population databases (gnomAD no frequency). This variant has not been reported in the literature in individuals affected with PALB2-related conditions. ClinVar contains an entry for this variant (Variation ID: 944864). This variant disrupts a region of the PALB2 protein in which other variant(s) (p.Tyr1183*) have been determined to be pathogenic (PMID: 17200671, 20927582, 21165770, 21365267, 26283626). This suggests that this is a clinically significant region of the protein, and that variants that disrupt it are likely to be disease-causing. For these reasons, this variant has been classified as Pathogenic.

Myriad Genetics, Inc.
Classification: Pathogenic for Familial cancer of breast. Last evaluated: 2023-09-15. Review status: criteria provided, single submitter. Criteria: Myriad Autosomal Dominant, Autosomal Recessive and X-Linked Classification Criteria (2023). Collection method: clinical testing. Allele origin: unknown.
Comment: This variant is considered pathogenic. This variant creates a termination codon and is predicted to result in premature protein truncation.

Literature cited by the submitters: PubMed 17200671 (cited by Labcorp Genetics (formerly Invitae), Labcorp); PubMed 20927582 (cited by Labcorp Genetics (formerly Invitae), Labcorp); PubMed 21165770 (cited by Labcorp Genetics (formerly Invitae), Labcorp); PubMed 21365267 (cited by Labcorp Genetics (formerly Invitae), Labcorp); PubMed 26283626 (cited by Labcorp Genetics (formerly Invitae), Labcorp).

NM_024675.4(PALB2):c.3425T>G (p.Leu1142Ter)

Gene: PALB2 (partner and localizer of BRCA2; minus strand). Cytogenetic location: 16p12.2.
Variant type: single nucleotide variant.
Coding change: c.3425T>G on transcript NM_024675.4 (MANE Select); coding-DNA position 3425, T replaced by G.
Protein change: p.Leu1142Ter; replaces leucine 1142 with a stop codon.
Molecular consequence: nonsense.
Genome position (GRCh38, 1-based): chr16:23,603,595, A>C on the plus strand (T>G on the coding strand, the complement: PALB2 is on the minus strand). VCF-style: chr16-23603595-A-C. GRCh37 (hg19) VCF-style: chr16-23614916-A-C.
Other names: short protein forms L1142*.
Identifiers: ClinVar variation 944864 (VCV000944864.12), dbSNP rs1555457878, ClinGen allele CA395138193.